The following is an entry in ClinVar:

ClinVar aggregate classification (germline): Uncertain significance. Review status: criteria provided, multiple submitters, no conflicts (2 of 4 stars). 2 submissions from 2 submitters: Uncertain significance (2). Last evaluated 2025-06-03.

Conditions:
Oto-palato-digital syndrome, type II (OPD2). Also called: FACIOPALATOOSSEOUS SYNDROME; OPD II SYNDROME; Otopalatodigital Syndrome, Type II; Otopalatodigital Syndrome Type 2 (FLNA-OPD2). Identifiers: Orphanet 669, Orphanet 90652, MedGen C1844696, MONDO:0010571, OMIM 304120.
Heterotopia, periventricular, X-linked dominant (PVNH1). Also called: PERIVENTRICULAR NODULAR HETEROTOPIA 1; X-linked periventricular heterotopia; PERIVENTRICULAR NODULAR HETEROTOPIA 4; HETEROTOPIA, PERIVENTRICULAR, 1. Identifiers: Orphanet 2149, Orphanet 82004, MedGen C1848213, MONDO:0010233, OMIM 300049.
Frontometaphyseal dysplasia (FMD1). Identifiers: Orphanet 1826, MedGen C0265293, MONDO:0015942.
Melnick-Needles syndrome (MNS). Also called: MELNICK-NEEDLES OSTEODYSPLASTY; OSTEODYSPLASTY OF MELNICK AND NEEDLES; Melnick-Needles Syndrome (FLNA-MNS). Identifiers: Orphanet 2484, MedGen C0025237, MONDO:0010650, OMIM 309350.

Submissions (2):

GeneDx
Classification: Uncertain significance. Last evaluated: 2025-06-03. Review status: criteria provided, single submitter. Criteria: GeneDx Variant Classification Process June 2021. Collection method: clinical testing. Allele origin: germline. Affected: yes.
Comment: Not observed at significant frequency in large population cohorts (gnomAD); In silico analysis supports a deleterious effect on protein structure/function; Has not been previously published as pathogenic or benign to our knowledge

Labcorp Genetics (formerly Invitae), Labcorp
Classification: Uncertain significance for Oto-palato-digital syndrome, type II; Heterotopia, periventricular, X-linked dominant; Frontometaphyseal dysplasia; Melnick-Needles syndrome. Last evaluated: 2023-04-03. Review status: criteria provided, single submitter. Criteria: Invitae Variant Classification Sherloc (09022015). Collection method: clinical testing. Allele origin: germline.
Comment: This sequence change replaces glycine, which is neutral and non-polar, with valine, which is neutral and non-polar, at codon 2400 of the FLNA protein (p.Gly2400Val). Information on the frequency of this variant in the gnomAD database is not available, as this variant may be reported differently in the database. In summary, the available evidence is currently insufficient to determine the role of this variant in disease. Therefore, it has been classified as a Variant of Uncertain Significance. An algorithm developed to predict the effect of missense changes on protein structure and function (PolyPhen-2) suggests that this variant is likely to be disruptive. This variant has not been reported in the literature in individuals affected with FLNA-related conditions.

NM_001110556.2(FLNA):c.7223_7224delinsTT (p.Gly2408Val)

Gene: FLNA (filamin A; minus strand). Cytogenetic location: Xq28.
Variant type: Indel.
Coding change: c.7223_7224delinsTT on transcript NM_001110556.2 (MANE Select); coding-DNA positions 7223 to 7224, GC replaced by TT.
Protein change: p.Gly2408Val; replaces glycine 2408 with valine.
Molecular consequence: missense variant.
Genome position (GRCh38, 1-based): chrX:154,350,140-154,350,141, GC replaced by AA on the plus strand (GC replaced by TT on the coding strand, the reverse complement: FLNA is on the minus strand). VCF-style: chrX-154350140-GC-AA. GRCh37 (hg19) VCF-style: chrX-153578508-GC-AA.
Other names: c.7199_7200delinsTT, p.Gly2400Val (NM_001456.4); c.7199_7200delinsTT (NM_001456.3); short protein forms G2400V, G2408V.
Identifiers: ClinVar variation 2936106 (VCV002936106.4), dbSNP rs2522714974, ClinGen allele CA2740090168.
Genomic context (GRCh38, chrX:154,350,140, plus strand): 5'-GTCCCCTCCATGCCCAGGCTCCCCAACTCGGATCTTGAAGGGGCTTCCAGGGATGTGGGT[GC>AA]CGTTGAACTTGACGTCAATCAGGTAAACGCCATTCTCCCGAGGGATGAAGCGCACAGCAT-3'
Protein context (NP_001104026.1, residues 2398-2418): GVYLIDVKFN[Gly2408Val]THIPGSPFKI